The following is an entry in ClinVar:

NM_000293.3(PHKB):c.3038del (p.Asn1013fs)

Gene: PHKB (phosphorylase kinase regulatory subunit beta; plus strand). Cytogenetic location: 16q12.1.
Variant type: Deletion.
Coding change: c.3038del on transcript NM_000293.3 (MANE Select); coding-DNA position 3038, one base deleted (A; older notation c.3038delA).
Protein change: p.Asn1013fs; shifts the reading frame from asparagine 1013.
Molecular consequence: frameshift variant.
Genome position (GRCh38, 1-based): chr16:47,698,482, A deleted; the last of 3 consecutive A bases (chr16:47,698,480-47,698,482); deleting any one gives the same sequence. VCF-style (leftmost placement, unchanged base first): chr16-47698479-GA-G. GRCh37 (hg19) VCF-style: chr16-47732390-GA-G.
Other names: c.3017del, p.Asn1006fs (NM_001031835.3); c.3038del, p.Asn1013fs (NM_001363837.1); short protein forms N1006fs, N1013fs.
Identifiers: ClinVar variation 2713914 (VCV002713914.3), dbSNP rs2506737906, ClinGen allele CA2697555824.

ClinVar aggregate classification (germline): Pathogenic (1 of 4 stars; one submission).

Conditions:
Glycogen storage disease IXb (GSD9B). Also called: GLYCOGENOSIS OF LIVER AND MUSCLE, AUTOSOMAL RECESSIVE; GSD IXb; PHOSPHORYLASE KINASE DEFICIENCY OF LIVER AND MUSCLE, AUTOSOMAL RECESSIVE. Identifiers: Orphanet 79240, MedGen C0543514, MONDO:0009868, OMIM 261750.

Submission:

Labcorp Genetics (formerly Invitae), Labcorp
Classification: Pathogenic for Glycogen storage disease IXb. Last evaluated: 2024-01-28. Review status: criteria provided, single submitter. Criteria: Invitae Variant Classification Sherloc (09022015). Collection method: clinical testing. Allele origin: germline.
Comment: This sequence change creates a premature translational stop signal (p.Asn1013Thrfs*4) in the PHKB gene. It is expected to result in an absent or disrupted protein product. Loss-of-function variants in PHKB are known to be pathogenic (PMID: 9215682, 9326319). This variant is not present in population databases (gnomAD no frequency). This variant has not been reported in the literature in individuals affected with PHKB-related conditions. For these reasons, this variant has been classified as Pathogenic.

Literature cited by the submitters: PubMed 9215682; PubMed 9326319.